The following is an entry in ClinVar:

NM_000535.7(PMS2):c.1978G>C (p.Ala660Pro)

Gene: PMS2 (PMS1 homolog 2, mismatch repair system component; minus strand). Cytogenetic location: 7p22.1.
Variant type: single nucleotide variant.
Coding change: c.1978G>C on transcript NM_000535.7 (MANE Select); coding-DNA position 1978, G replaced by C.
Protein change: p.Ala660Pro; replaces alanine 660 with proline.
Molecular consequence: missense variant. On other transcripts: non-coding transcript variant (1), intron variant (1).
Genome position (GRCh38, 1-based): chr7:5,986,787, C>G on the plus strand (G>C on the coding strand, the complement: PMS2 is on the minus strand). VCF-style: chr7-5986787-C-G. GRCh37 (hg19) VCF-style: chr7-6026418-C-G.
Other names: c.1654G>C, p.Ala552Pro (NM_001406884.1); c.1642G>C, p.Ala548Pro (NM_001406885.1); c.1612G>C, p.Ala538Pro (NM_001406886.1); c.1573G>C, p.Ala525Pro (NM_001406887.1, NM_001406888.1, NM_001406889.1 and 17 more transcripts); c.1504G>C, p.Ala502Pro (NM_001406902.1, NM_001406901.1); c.1660G>C, p.Ala554Pro (NM_001406903.1, NM_001322007.2, NM_001322008.2 and 2 more transcripts); c.1465G>C, p.Ala489Pro (NM_001406904.1, NM_001406905.1); c.1417G>C, p.Ala473Pro (NM_001406906.1, NM_001406907.1, NM_001322010.2); and 13 more; short protein forms A473P, A538P, A722P, A403P, A469P, A525P, A349P, A505P.
Identifiers: ClinVar variation 2862095 (VCV002862095.3), dbSNP rs2128720257, ClinGen allele CA366738986.

ClinVar aggregate classification (germline): Uncertain significance (1 of 4 stars; one submission).

Conditions:
Hereditary nonpolyposis colorectal neoplasms. Identifiers: MedGen C0009405, MeSH D003123.

Submission:

Labcorp Genetics (formerly Invitae), Labcorp
Classification: Uncertain significance for Hereditary nonpolyposis colorectal neoplasms. Last evaluated: 2023-05-05. Review status: criteria provided, single submitter. Criteria: Invitae Variant Classification Sherloc (09022015). Collection method: clinical testing. Allele origin: germline.
Comment: This variant is not present in population databases (gnomAD no frequency). In summary, the available evidence is currently insufficient to determine the role of this variant in disease. Therefore, it has been classified as a Variant of Uncertain Significance. Advanced modeling of protein sequence and biophysical properties (such as structural, functional, and spatial information, amino acid conservation, physicochemical variation, residue mobility, and thermodynamic stability) performed at Invitae indicates that this missense variant is expected to disrupt PMS2 protein function. This variant has not been reported in the literature in individuals affected with PMS2-related conditions. This sequence change replaces alanine, which is neutral and non-polar, with proline, which is neutral and non-polar, at codon 660 of the PMS2 protein (p.Ala660Pro).